The following is an entry in ClinVar:

NM_001378454.1(ALMS1):c.11853C>A (p.Asn3951Lys)

Gene: ALMS1 (ALMS1 centrosome and basal body associated protein; plus strand). Cytogenetic location: 2p13.1.
Variant type: single nucleotide variant.
Coding change: c.11853C>A on transcript NM_001378454.1 (MANE Select); coding-DNA position 11853, C replaced by A.
Protein change: p.Asn3951Lys; replaces asparagine 3951 with lysine.
Molecular consequence: missense variant.
Genome position (GRCh38, 1-based): chr2:73,600,862, C>A. VCF-style: chr2-73600862-C-A. GRCh37 (hg19) VCF-style: chr2-73827989-C-A.
Other names: c.11856C>A, p.Asn3952Lys (NM_015120.4); short protein forms N3951K, N3952K.
Identifiers: ClinVar variation 2063160 (VCV002063160.1), dbSNP rs577759803, ClinGen allele CA1715340.

ClinVar aggregate classification (germline): Uncertain significance (1 of 4 stars; one submission).

Conditions:
Alstrom syndrome (ALMS). Identifiers: Orphanet 64, MedGen C0268425, MONDO:0008763, OMIM 203800.

Allele frequency attached by ClinVar (database versions not stated): 1000 Genomes Project 30x 0.00016; 1000 Genomes Project 0.00020.
gnomAD v4.1: 3 of 1,613,870 alleles (0.00019%); highest among the groups gnomAD compares: East Asian, 0.0045%; no homozygotes.

Submission:

Labcorp Genetics (formerly Invitae), Labcorp
Classification: Uncertain significance for Alstrom syndrome. Last evaluated: 2022-10-24. Review status: criteria provided, single submitter. Criteria: Invitae Variant Classification Sherloc (09022015). Collection method: clinical testing. Allele origin: germline.
Comment: This sequence change replaces asparagine, which is neutral and polar, with lysine, which is basic and polar, at codon 3952 of the ALMS1 protein (p.Asn3952Lys). This variant is not present in population databases (gnomAD no frequency). This variant has not been reported in the literature in individuals affected with ALMS1-related conditions. Experimental studies and prediction algorithms are not available or were not evaluated, and the functional significance of this variant is currently unknown. In summary, the available evidence is currently insufficient to determine the role of this variant in disease. Therefore, it has been classified as a Variant of Uncertain Significance.